The following is an entry in ClinVar:

NM_182914.3(SYNE2):c.8306A>G (p.Lys2769Arg)

Gene: SYNE2 (spectrin repeat containing nuclear envelope protein 2; plus strand). Cytogenetic location: 14q23.2.
Variant type: single nucleotide variant.
Coding change: c.8306A>G on transcript NM_182914.3 (MANE Select); coding-DNA position 8306, A replaced by G.
Protein change: p.Lys2769Arg; replaces lysine 2769 with arginine.
Molecular consequence: missense variant.
Genome position (GRCh38, 1-based): chr14:64,052,219, A>G. VCF-style: chr14-64052219-A-G. GRCh37 (hg19) VCF-style: chr14-64518937-A-G.
Other names: c.8306A>G, p.Lys2769Arg (NM_015180.6); short protein forms K2769R.
Identifiers: ClinVar variation 3668752 (VCV003668752.2).

ClinVar aggregate classification (germline): Uncertain significance (1 of 4 stars; one submission).

Conditions:
Emery-Dreifuss muscular dystrophy 5, autosomal dominant (EDMD5). Also called: EMERY-DREIFUSS MUSCULAR DYSTROPHY 5. Identifiers: Orphanet 261, MedGen C2751805, MONDO:0013072, OMIM 612999.

gnomAD v4.1: 11 of 1,614,064 alleles (0.00068%); highest among the groups gnomAD compares: Middle Eastern, 0.033%; no homozygotes.

Submission:

Labcorp Genetics (formerly Invitae), Labcorp
Classification: Uncertain significance for Emery-Dreifuss muscular dystrophy 5, autosomal dominant. Last evaluated: 2025-06-02. Review status: criteria provided, single submitter. Criteria: Invitae Variant Classification Sherloc (09022015). Collection method: clinical testing. Allele origin: germline.
Comment: This sequence change replaces lysine, which is basic and polar, with arginine, which is basic and polar, at codon 2769 of the SYNE2 protein (p.Lys2769Arg). This variant is present in population databases (rs372336636, gnomAD 0.0009%). This variant has not been reported in the literature in individuals affected with SYNE2-related conditions. ClinVar contains an entry for this variant (Variation ID: 3668752). An algorithm developed to predict the effect of missense changes on protein structure and function (PolyPhen-2) suggests that this variant is likely to be disruptive. In summary, the available evidence is currently insufficient to determine the role of this variant in disease. Therefore, it has been classified as a Variant of Uncertain Significance.